The following is an entry in ClinVar:

ClinVar aggregate classification (germline): Uncertain significance (1 of 4 stars; one submission).

Conditions:
Inborn genetic diseases. Identifiers: MedGen C0950123, MeSH D030342.

Submission:

Ambry Genetics
Classification: Uncertain significance for Inborn genetic diseases. Last evaluated: 2025-11-26. Review status: criteria provided, single submitter. Criteria: Ambry Variant Classification Scheme 2023. Collection method: clinical testing. Allele origin: germline.
Comment: The p.H328Y variant (also known as c.982C>T), located in coding exon 5 of the ETV6 gene, results from a C to T substitution at nucleotide position 982. The histidine at codon 328 is replaced by tyrosine, an amino acid with similar properties. This amino acid position is conserved. In addition, this alteration is predicted to be tolerated by in silico analysis. Based on the available evidence, the clinical significance of this variant remains unclear.

NM_001987.5(ETV6):c.982C>T (p.His328Tyr)

Gene: ETV6 (ETS variant transcription factor 6; plus strand). Cytogenetic location: 12p13.2.
Variant type: single nucleotide variant.
Coding change: c.982C>T on transcript NM_001987.5 (MANE Select); coding-DNA position 982, C replaced by T.
Protein change: p.His328Tyr; replaces histidine 328 with tyrosine.
Molecular consequence: missense variant.
Genome position (GRCh38, 1-based): chr12:11,869,942, C>T. VCF-style: chr12-11869942-C-T. GRCh37 (hg19) VCF-style: chr12-12022876-C-T.
Other names: c.979C>T, p.His327Tyr (NM_001413913.1); c.955C>T, p.His319Tyr (NM_001413914.1); c.718C>T, p.His240Tyr (NM_001413915.1); c.982C>T, p.His328Tyr (NM_001413916.1, NM_001413917.1); short protein forms H240Y, H328Y, H319Y, H327Y.
Identifiers: ClinVar variation 4618879 (VCV004618879.1).